The following is an entry in ClinVar:

NM_000135.4(FANCA):c.258T>A (p.Tyr86Ter)

Gene: FANCA (FA complementation group A; minus strand). Cytogenetic location: 16q24.3.
Variant type: single nucleotide variant.
Coding change: c.258T>A on transcript NM_000135.4 (MANE Select); coding-DNA position 258, T replaced by A.
Protein change: p.Tyr86Ter; replaces tyrosine 86 with a stop codon.
Molecular consequence: nonsense.
Genome position (GRCh38, 1-based): chr16:89,814,545, A>T on the plus strand (T>A on the coding strand, the complement: FANCA is on the minus strand). VCF-style: chr16-89814545-A-T. GRCh37 (hg19) VCF-style: chr16-89880953-A-T.
Other names: c.258T>A (LRG_495t1); c.258T>A, p.Tyr86Ter (NM_001018112.3, NM_001286167.3, NM_001351830.2); short protein forms Y86*.
Identifiers: ClinVar variation 645709 (VCV000645709.15), dbSNP rs1452688134, ClinGen allele CA397482469.
Genomic context (GRCh38, chr16:89,814,545, plus strand): 5'-CAATTCAAAATAGAGAAAATGAAGCTATAACTTACCTATAAATGAACTAGAATGATTAGC[A>T]TAGGCCTCAGAACTGTCACAGTCAATCACTTTGCTGAGAGACAATTTTTTACACAGTGGA-3'

ClinVar aggregate classification (germline): Pathogenic/Likely pathogenic. Review status: criteria provided, multiple submitters, no conflicts (2 of 4 stars). 5 submissions from 5 submitters: Pathogenic (2); Likely pathogenic (2). 1 of the submissions does not count toward it. Last evaluated 2024-06-14.

Conditions:
Fanconi anemia (FA). Also called: Fanconi's anemia. Identifiers: Orphanet 84, MedGen C0015625, MeSH D005199, MONDO:0019391.
Fanconi anemia complementation group A (FANCA). Also called: FANCA-Related Fanconi Anemia; Fanconi anemia, group A. Identifiers: Orphanet 84, MedGen C3469521, MONDO:0009215, OMIM 227650.

Allele frequency attached by ClinVar (database versions not stated): TOPMed below 0.00001.
gnomAD v4.1: 1 of 1,613,494 alleles (0.000062%); highest among the groups gnomAD compares: Admixed American, 0.0017%; no homozygotes.

Submissions (5):

Fulgent Genetics
Classification: Likely pathogenic for Fanconi anemia complementation group A. Last evaluated: 2024-06-14. Review status: criteria provided, single submitter. Criteria: ACMG Guidelines, 2015. Collection method: clinical testing. Allele origin: germline.

Baylor Genetics
Classification: Pathogenic for Fanconi anemia complementation group A. Last evaluated: 2023-08-05. Review status: criteria provided, single submitter. Criteria: ACMG Guidelines, 2015. Collection method: clinical testing. Allele origin: unknown.

Labcorp Genetics (formerly Invitae), Labcorp
Classification: Pathogenic for Fanconi anemia. Last evaluated: 2023-01-24. Review status: criteria provided, single submitter. Criteria: Invitae Variant Classification Sherloc (09022015). Collection method: clinical testing. Allele origin: germline.
Comment: This sequence change creates a premature translational stop signal (p.Tyr86*) in the FANCA gene. It is expected to result in an absent or disrupted protein product. Loss-of-function variants in FANCA are known to be pathogenic (PMID: 19367192). This variant is not present in population databases (gnomAD no frequency). For these reasons, this variant has been classified as Pathogenic. ClinVar contains an entry for this variant (Variation ID: 645709). This premature translational stop signal has been observed in individual(s) with FANCA-related conditions (PMID: 21520333).

Myriad Genetics, Inc.
Classification: Likely pathogenic for Fanconi anemia complementation group A. Last evaluated: 2019-04-23. Review status: criteria provided, single submitter. Criteria: Myriad Women's Health Autosomal Recessive and X-Linked Classification Criteria (2019). Collection method: clinical testing. Allele origin: unknown.
Comment: NM_000135.2(FANCA):c.258T>A(Y86*) is expected to be pathogenic in the context of Fanconi anemia complementation group A. This variant is predicted to lead to an abnormal or absent protein product due to the creation of a premature termination codon in FANCA, a gene where loss-of-function variants are known to be pathogenic. Please note: this variant was assessed in the context of healthy population screening.

Leiden Open Variation Database
Classification: Pathogenic for Fanconi anemia complementation group A. Last evaluated: 2020-02-28. Review status: no assertion criteria provided. Collection method: curation. Allele origin: germline. Affected: yes. Not counted in ClinVar's aggregate classification.
Comment: Curator: Arleen D. Auerbach. Submitter to LOVD: Arleen D. Auerbach.

Literature cited by the submitters: PubMed 19367192 (cited by Labcorp Genetics (formerly Invitae), Labcorp); PubMed 21520333 (cited by Labcorp Genetics (formerly Invitae), Labcorp).